The following is an entry in ClinVar:

NM_005732.4(RAD50):c.1160C>T (p.Pro387Leu)

Gene: RAD50 (RAD50 double strand break repair protein; plus strand). Cytogenetic location: 5q31.1.
Variant type: single nucleotide variant.
Coding change: c.1160C>T on transcript NM_005732.4 (MANE Select); coding-DNA position 1160, C replaced by T.
Protein change: p.Pro387Leu; replaces proline 387 with leucine.
Molecular consequence: missense variant.
Genome position (GRCh38, 1-based): chr5:132,588,795, C>T. VCF-style: chr5-132588795-C-T. GRCh37 (hg19) VCF-style: chr5-131924487-C-T.
Other names: short protein forms P387L.
Identifiers: ClinVar variation 527364 (VCV000527364.11), dbSNP rs1052007421, ClinGen allele CA127243895.
Genomic context (GRCh38, chr5:132,588,795, plus strand): 5'-GAGATTCATTAATTCAGTCTTTGGCAACACAGCTAGAATTGGATGGCTTTGAGCGTGGAC[C>T]ATTCAGTGAAAGACAGATTAAAAATTTTCACAAACTTGTGAGAGAGAGACAAGAAGGGGA-3'
Protein context (NP_005723.2, residues 377-397): QLELDGFERG[Pro387Leu]FSERQIKNFH

ClinVar aggregate classification (germline): Uncertain significance. Review status: criteria provided, multiple submitters, no conflicts (2 of 4 stars). 3 submissions from 3 submitters: Uncertain significance (3). Last evaluated 2025-11-09.

Conditions:
Hereditary cancer-predisposing syndrome. Also called: Hereditary neoplastic syndrome; Tumor predisposition; Neoplastic Syndromes, Hereditary; Hereditary Cancer Syndrome. Identifiers: Orphanet 140162, MedGen C0027672, MeSH D009386, MONDO:0015356.

Submissions (3):

Ambry Genetics
Classification: Uncertain significance for Hereditary cancer-predisposing syndrome. Last evaluated: 2025-11-09. Review status: criteria provided, single submitter. Criteria: Ambry Variant Classification Scheme 2023. Collection method: clinical testing. Allele origin: germline.
Comment: The p.P387L variant (also known as c.1160C>T), located in coding exon 8 of the RAD50 gene, results from a C to T substitution at nucleotide position 1160. The proline at codon 387 is replaced by leucine, an amino acid with similar properties. This amino acid position is conserved. In addition, this alteration is predicted to be tolerated by in silico analysis. Based on the available evidence, the clinical significance of this variant remains unclear.

Blueprint Genetics
Classification: Uncertain significance. Last evaluated: 2024-03-06. Review status: criteria provided, single submitter. Criteria: ACMG Guidelines, 2015. Collection method: clinical testing. Allele origin: germline.

Labcorp Genetics (formerly Invitae), Labcorp
Classification: Uncertain significance for Hereditary cancer-predisposing syndrome. Last evaluated: 2022-03-05. Review status: criteria provided, single submitter. Criteria: Invitae Variant Classification Sherloc (09022015). Collection method: clinical testing. Allele origin: germline.
Comment: In summary, the available evidence is currently insufficient to determine the role of this variant in disease. Therefore, it has been classified as a Variant of Uncertain Significance. Algorithms developed to predict the effect of missense changes on protein structure and function are either unavailable or do not agree on the potential impact of this missense change (SIFT: "Deleterious"; PolyPhen-2: "Possibly Damaging"; Align-GVGD: "Class C0"). ClinVar contains an entry for this variant (Variation ID: 527364). This variant has not been reported in the literature in individuals affected with RAD50-related conditions. This variant is not present in population databases (gnomAD no frequency). This sequence change replaces proline, which is neutral and non-polar, with leucine, which is neutral and non-polar, at codon 387 of the RAD50 protein (p.Pro387Leu).